The following is an entry in ClinVar:

ClinVar aggregate classification (germline): Uncertain significance (1 of 4 stars; one submission).

Conditions:
Rhabdoid tumor predisposition syndrome 2 (RTPS2). Identifiers: Orphanet 231108, Orphanet 69077, MedGen C2750074, MONDO:0013224, OMIM 613325.

Submission:

Labcorp Genetics (formerly Invitae), Labcorp
Classification: Uncertain significance for Rhabdoid tumor predisposition syndrome 2. Last evaluated: 2023-05-18. Review status: criteria provided, single submitter. Criteria: Invitae Variant Classification Sherloc (09022015). Collection method: clinical testing. Allele origin: germline.
Comment: An algorithm developed to predict the effect of missense changes on protein structure and function (PolyPhen-2) suggests that this variant is likely to be tolerated. In summary, the available evidence is currently insufficient to determine the role of this variant in disease. Therefore, it has been classified as a Variant of Uncertain Significance. This variant has not been reported in the literature in individuals affected with SMARCA4-related conditions. This sequence change replaces histidine, which is basic and polar, with tyrosine, which is neutral and polar, at codon 1398 of the SMARCA4 protein (p.His1398Tyr). This variant is not present in population databases (gnomAD no frequency).

NM_001387283.1(SMARCA4):c.4192C>T (p.His1398Tyr)

Gene: SMARCA4 (SWI/SNF related BAF chromatin remodeling complex subunit ATPase 4; plus strand). Cytogenetic location: 19p13.2.
Variant type: single nucleotide variant.
Coding change: c.4192C>T on transcript NM_001387283.1 (MANE Plus Clinical); coding-DNA position 4192, C replaced by T.
Protein change: p.His1398Tyr; replaces histidine 1398 with tyrosine.
Molecular consequence: missense variant. On other transcripts: intron variant (7).
Genome position (GRCh38, 1-based): chr19:11,039,479, C>T. VCF-style: chr19-11039479-C-T. GRCh37 (hg19) VCF-style: chr19-11150155-C-T.
Other names: c.4072-1819C>T (NM_001128846.2, NM_001128845.2); c.4072-1828C>T (NM_001128848.2, NM_001128847.4, NM_001374457.1); c.4192C>T, p.His1398Tyr (NM_001128849.3); c.4093C>T, p.His1365Tyr (NM_001411150.1); c.4171-1828C>T (NM_001128844.3, NM_003072.5); short protein forms H1398Y, H1365Y.
Identifiers: ClinVar variation 2865328 (VCV002865328.3), dbSNP rs2515441553, ClinGen allele CA404071210.